The following is an entry in ClinVar:

NM_020706.2(SCAF4):c.1389_1390del (p.Arg465fs)

Gene: SCAF4 (SR-related CTD associated factor 4; minus strand). Cytogenetic location: 21q22.11.
Variant type: Deletion.
Coding change: c.1389_1390del on transcript NM_020706.2 (MANE Select); coding-DNA positions 1389 to 1390, 2 bases deleted (AT; older notation c.1389_1390delAT).
Protein change: p.Arg465fs; shifts the reading frame from arginine 465.
Molecular consequence: frameshift variant.
Genome position (GRCh38, 1-based): chr21:31,693,417-31,693,418, AT deleted on the plus strand (AT on the coding strand, the reverse complement: SCAF4 is on the minus strand). VCF-style (leftmost placement, unchanged base first): chr21-31693416-GAT-G. GRCh37 (hg19) VCF-style: chr21-33065729-GAT-G.
Other names: c.1344_1345del, p.Arg450fs (NM_001145444.1); c.1389_1390del, p.Arg465fs (NM_001145445.1); c.1389_1390delAT (NM_020706.2); short protein forms R465fs, R450fs.
Identifiers: ClinVar variation 4991052 (VCV004991052.1).

ClinVar aggregate classification (germline): Likely pathogenic (1 of 4 stars; one submission).

Conditions:
SCAF4-related disorder. Also called: SCAF4-related condition.

Submission:

PreventionGenetics, part of Exact Sciences
Classification: Likely pathogenic for SCAF4-related condition. Last evaluated: 2025-12-12. Review status: criteria provided, single submitter. Criteria: ACMG Guidelines, 2015. Collection method: clinical testing. Allele origin: germline.
Comment: The SCAF4 c.1389_1390delAT variant is predicted to result in a frameshift and premature protein termination (p.Arg465Valfs*4). To our knowledge, this variant has not been reported in the literature or in a large population database (gnomAD), indicating this variant is rare. Frameshift variants in SCAF4 are expected to be pathogenic. This variant is interpreted as likely pathogenic.